The following is an entry in ClinVar:

NM_002470.4(MYH3):c.2396G>A (p.Arg799His)

Gene: MYH3 (myosin heavy chain 3; minus strand). Cytogenetic location: 17p13.1.
Variant type: single nucleotide variant.
Coding change: c.2396G>A on transcript NM_002470.4 (MANE Select); coding-DNA position 2396, G replaced by A.
Protein change: p.Arg799His; replaces arginine 799 with histidine.
Molecular consequence: missense variant.
Genome position (GRCh38, 1-based): chr17:10,640,363, C>T on the plus strand (G>A on the coding strand, the complement: MYH3 is on the minus strand). VCF-style: chr17-10640363-C-T. GRCh37 (hg19) VCF-style: chr17-10543680-C-T.
Other names: c.2396G>A (NM_002470.3); short protein forms R799H.
Identifiers: ClinVar variation 1934619 (VCV001934619.6), dbSNP rs745696071, ClinGen allele CA8392773.
Genomic context (GRCh38, chr17:10,640,363, plus strand): 5'-GCTCATGTCTGAACAAAGACCCTGCTGGACCTCCTCTGCACCATCTTCTGGAATTCCACA[C>T]GCATGAGGAACCCTCTGCACACAGCTTGTGTCCGGGTGATTAGTTTGGCCAGGCGGTCAT-3'
Protein context (NP_002461.2, residues 789-809): TQAVCRGFLM[Arg799His]VEFQKMVQRR

ClinVar aggregate classification (germline): Uncertain significance. Review status: criteria provided, multiple submitters, no conflicts (2 of 4 stars). 2 submissions from 2 submitters: Uncertain significance (2). Last evaluated 2025-09-02.

Conditions:
Inborn genetic diseases. Identifiers: MedGen C0950123, MeSH D030342.

Allele frequency attached by ClinVar (database versions not stated): TOPMed below 0.00001; ExAC 0.00001; gnomAD 0.00001; gnomAD exomes 0.00002.
gnomAD v4.1: 29 of 1,614,120 alleles (0.0018%); highest among the groups gnomAD compares: South Asian, 0.0066%; no homozygotes.

Submissions (2):

Labcorp Genetics (formerly Invitae), Labcorp
Classification: Uncertain significance. Last evaluated: 2025-09-02. Review status: criteria provided, single submitter. Criteria: Invitae Variant Classification Sherloc (09022015). Collection method: clinical testing. Allele origin: germline.
Comment: This sequence change replaces arginine, which is basic and polar, with histidine, which is basic and polar, at codon 799 of the MYH3 protein (p.Arg799His). This variant is present in population databases (rs745696071, gnomAD 0.01%). This variant has not been reported in the literature in individuals affected with MYH3-related conditions. ClinVar contains an entry for this variant (Variation ID: 1934619). Invitae Evidence Modeling of protein sequence and biophysical properties (such as structural, functional, and spatial information, amino acid conservation, physicochemical variation, residue mobility, and thermodynamic stability) has been performed for this missense variant. However, the output from this modeling did not meet the statistical confidence thresholds required to predict the impact of this variant on MYH3 protein function. In summary, the available evidence is currently insufficient to determine the role of this variant in disease. Therefore, it has been classified as a Variant of Uncertain Significance.

Ambry Genetics
Classification: Uncertain significance for Inborn genetic diseases. Last evaluated: 2024-10-20. Review status: criteria provided, single submitter. Criteria: Ambry Variant Classification Scheme 2023. Collection method: clinical testing. Allele origin: germline.